The following is an entry in ClinVar:

NM_145167.3(PIGM):c.743A>T (p.Glu248Val)

Gene: PIGM (phosphatidylinositol glycan anchor biosynthesis class M; minus strand). Cytogenetic location: 1q23.2.
Variant type: single nucleotide variant.
Coding change: c.743A>T on transcript NM_145167.3 (MANE Select); coding-DNA position 743, A replaced by T.
Protein change: p.Glu248Val; replaces glutamic acid 248 with valine.
Molecular consequence: missense variant.
Genome position (GRCh38, 1-based): chr1:160,030,997, T>A on the plus strand (A>T on the coding strand, the complement: PIGM is on the minus strand). VCF-style: chr1-160030997-T-A. GRCh37 (hg19) VCF-style: chr1-160000787-T-A.
Other names: short protein forms E248V.
Identifiers: ClinVar variation 4703563 (VCV004703563.1).

ClinVar aggregate classification (germline): Uncertain significance (1 of 4 stars; one submission).

Conditions:
Hypercoagulability syndrome due to glycosylphosphatidylinositol deficiency (GPIBD1). Also called: GLYCOSYLPHOSPHATIDYLINOSITOL BIOSYNTHESIS DEFECT 1. Identifiers: Orphanet 83639, MedGen C5201145, MONDO:0012465, OMIM 610293.

Submission:

Labcorp Genetics (formerly Invitae), Labcorp
Classification: Uncertain significance for Hypercoagulability syndrome due to glycosylphosphatidylinositol deficiency. Last evaluated: 2025-08-14. Review status: criteria provided, single submitter. Criteria: Invitae Variant Classification Sherloc (09022015). Collection method: clinical testing. Allele origin: germline.
Comment: This sequence change replaces glutamic acid, which is acidic and polar, with valine, which is neutral and non-polar, at codon 248 of the PIGM protein (p.Glu248Val). This variant is not present in population databases (gnomAD no frequency). This variant has not been reported in the literature in individuals affected with PIGM-related conditions. Invitae Evidence Modeling of protein sequence and biophysical properties (such as structural, functional, and spatial information, amino acid conservation, physicochemical variation, residue mobility, and thermodynamic stability) indicates that this missense variant is not expected to disrupt PIGM protein function with a negative predictive value of 80%. In summary, the available evidence is currently insufficient to determine the role of this variant in disease. Therefore, it has been classified as a Variant of Uncertain Significance.